The following is an entry in ClinVar:

ClinVar aggregate classification (germline): Pathogenic (1 of 4 stars; one submission).

Conditions:
Chédiak-Higashi syndrome (CHS). Also called: Chediak-Higashi Syndrome. Identifiers: Orphanet 167, MedGen C0007965, MONDO:0008963, OMIM 214500.

Submission:

Labcorp Genetics (formerly Invitae), Labcorp
Classification: Pathogenic for Chédiak-Higashi syndrome. Last evaluated: 2023-04-27. Review status: criteria provided, single submitter. Criteria: Invitae Variant Classification Sherloc (09022015). Collection method: clinical testing. Allele origin: germline.
Comment: For these reasons, this variant has been classified as Pathogenic. Algorithms developed to predict the effect of sequence changes on RNA splicing suggest that this variant may disrupt the consensus splice site. This variant has not been reported in the literature in individuals affected with LYST-related conditions. This variant is not present in population databases (gnomAD no frequency). This sequence change creates a premature translational stop signal (p.Ser3534*) in the LYST gene. It is expected to result in an absent or disrupted protein product. Loss-of-function variants in LYST are known to be pathogenic (PMID: 9215679, 11857544).

Literature cited by the submitters: PubMed 9215679; PubMed 11857544.

NM_000081.4(LYST):c.10601C>A (p.Ser3534Ter)

Gene: LYST (lysosomal trafficking regulator; minus strand). Cytogenetic location: 1q42.3.
Variant type: single nucleotide variant.
Coding change: c.10601C>A on transcript NM_000081.4 (MANE Select); coding-DNA position 10601, C replaced by A.
Protein change: p.Ser3534Ter; replaces serine 3534 with a stop codon.
Molecular consequence: nonsense.
Genome position (GRCh38, 1-based): chr1:235,693,450, G>T on the plus strand (C>A on the coding strand, the complement: LYST is on the minus strand). VCF-style: chr1-235693450-G-T. GRCh37 (hg19) VCF-style: chr1-235856750-G-T.
Other names: c.10601C>A, p.Ser3534Ter (NM_001301365.1); short protein forms S3534*.
Identifiers: ClinVar variation 2859858 (VCV002859858.3), dbSNP rs2527258499, ClinGen allele CA344926857.